The following is an entry in ClinVar:

NM_002900.3(RBP3):c.1747G>T (p.Asp583Tyr)

Gene: RBP3 (retinol binding protein 3; plus strand). Cytogenetic location: 10q11.22.
Variant type: single nucleotide variant.
Coding change: c.1747G>T on transcript NM_002900.3 (MANE Select); coding-DNA position 1747, G replaced by T.
Protein change: p.Asp583Tyr; replaces aspartic acid 583 with tyrosine.
Molecular consequence: missense variant.
Genome position (GRCh38, 1-based): chr10:47,350,231, G>T. VCF-style: chr10-47350231-G-T. GRCh37 (hg19) VCF-style: chr10-48389131-C-A.
Other names: c.1747G>T (NM_002900.2); short protein forms D583Y.
Identifiers: ClinVar variation 1476071 (VCV001476071.5), dbSNP rs1555211299, ClinGen allele CA376671421.

ClinVar aggregate classification (germline): Uncertain significance. Review status: criteria provided, multiple submitters, no conflicts (2 of 4 stars). 2 submissions from 2 submitters: Uncertain significance (2). Last evaluated 2025-12-16.

Conditions:
Inborn genetic diseases. Identifiers: MedGen C0950123, MeSH D030342.

Allele frequency attached by ClinVar (database versions not stated): gnomAD exomes below 0.00001 and 0.00001.
gnomAD v4.1: 4 of 1,608,374 alleles (0.00025%); highest among the groups gnomAD compares: Middle Eastern, 0.016%; no homozygotes.

Submissions (2):

Ambry Genetics
Classification: Uncertain significance for Inborn genetic diseases. Last evaluated: 2025-12-16. Review status: criteria provided, single submitter. Criteria: Ambry Variant Classification Scheme 2023. Collection method: clinical testing. Allele origin: germline.

Labcorp Genetics (formerly Invitae), Labcorp
Classification: Uncertain significance. Last evaluated: 2021-11-01. Review status: criteria provided, single submitter. Criteria: Invitae Variant Classification Sherloc (09022015). Collection method: clinical testing. Allele origin: germline.
Comment: In summary, the available evidence is currently insufficient to determine the role of this variant in disease. Therefore, it has been classified as a Variant of Uncertain Significance. Algorithms developed to predict the effect of missense changes on protein structure and function are either unavailable or do not agree on the potential impact of this missense change (SIFT: "Deleterious"; PolyPhen-2: "Probably Damaging"; Align-GVGD: "Class C0"). This variant has not been reported in the literature in individuals affected with RBP3-related conditions. This variant is present in population databases (no rsID available, gnomAD 0.003%). This sequence change replaces aspartic acid, which is acidic and polar, with tyrosine, which is neutral and polar, at codon 583 of the RBP3 protein (p.Asp583Tyr).